The following is an entry in ClinVar:

NM_006766.5(KAT6A):c.1100A>G (p.Lys367Arg)

Gene: KAT6A (lysine acetyltransferase 6A; minus strand). Cytogenetic location: 8p11.21.
Variant type: single nucleotide variant.
Coding change: c.1100A>G on transcript NM_006766.5 (MANE Select); coding-DNA position 1100, A replaced by G.
Protein change: p.Lys367Arg; replaces lysine 367 with arginine.
Molecular consequence: missense variant.
Genome position (GRCh38, 1-based): chr8:41,977,271, T>C on the plus strand (A>G on the coding strand, the complement: KAT6A is on the minus strand). VCF-style: chr8-41977271-T-C. GRCh37 (hg19) VCF-style: chr8-41834789-T-C.
Other names: c.1100A>G, p.Lys367Arg (NM_001305878.2); c.1100A>G (NM_006766.3); short protein forms K367R.
Identifiers: ClinVar variation 1976289 (VCV001976289.6), dbSNP rs1824106848, ClinGen allele CA371076415.
Genomic context (GRCh38, chr8:41,977,271, plus strand): 5'-ATCCGCTCTAAATATCCTTCTTCTGATGATGATGATGCTGATTGGCTGGAAAGAGTGATT[T>C]TTCGTTTCCTACCCCTTCCAGGGCCAGTTCGAACTTTGCTGAAGGGACCTTTTGATCTAA-3'
Protein context (NP_006757.2, residues 357-377): RTGPGRGRKR[Lys367Arg]ITLSSQSASS

ClinVar aggregate classification (germline): Uncertain significance. Review status: criteria provided, multiple submitters, no conflicts (2 of 4 stars). 2 submissions from 2 submitters: Uncertain significance (2). Last evaluated 2024-03-02.

Submissions (2):

GeneDx
Classification: Uncertain significance. Last evaluated: 2024-03-02. Review status: criteria provided, single submitter. Criteria: GeneDx Variant Classification Process June 2021. Collection method: clinical testing. Allele origin: germline. Affected: yes.
Comment: Not observed at significant frequency in large population cohorts (gnomAD); In silico analysis supports that this missense variant does not alter protein structure/function; Has not been previously published as pathogenic or benign to our knowledge

Labcorp Genetics (formerly Invitae), Labcorp
Classification: Uncertain significance. Last evaluated: 2022-07-01. Review status: criteria provided, single submitter. Criteria: Invitae Variant Classification Sherloc (09022015). Collection method: clinical testing. Allele origin: germline.
Comment: In summary, the available evidence is currently insufficient to determine the role of this variant in disease. Therefore, it has been classified as a Variant of Uncertain Significance. Algorithms developed to predict the effect of missense changes on protein structure and function (SIFT, PolyPhen-2, Align-GVGD) all suggest that this variant is likely to be tolerated. This variant has not been reported in the literature in individuals affected with KAT6A-related conditions. This variant is not present in population databases (gnomAD no frequency). This sequence change replaces lysine, which is basic and polar, with arginine, which is basic and polar, at codon 367 of the KAT6A protein (p.Lys367Arg).